The following is an entry in ClinVar:

NM_001164277.2(SLC37A4):c.580G>A (p.Val194Ile)

Gene: SLC37A4 (solute carrier family 37 member 4; minus strand). Cytogenetic location: 11q23.3.
Variant type: single nucleotide variant.
Coding change: c.580G>A on transcript NM_001164277.2 (MANE Select); coding-DNA position 580, G replaced by A.
Protein change: p.Val194Ile; replaces valine 194 with isoleucine.
Molecular consequence: missense variant.
Genome position (GRCh38, 1-based): chr11:119,027,673, C>T on the plus strand (G>A on the coding strand, the complement: SLC37A4 is on the minus strand). VCF-style: chr11-119027673-C-T. GRCh37 (hg19) VCF-style: chr11-118898383-C-T.
Other names: c.580G>A, p.Val194Ile (NM_001164278.2, NM_001164280.2, NM_001467.6); c.361G>A, p.Val121Ile (NM_001164279.2); short protein forms V194I, V121I.
Identifiers: ClinVar variation 3706660 (VCV003706660.2).

ClinVar aggregate classification (germline): Uncertain significance (1 of 4 stars; one submission).

Conditions:
Glucose-6-phosphate transport defect (GSD1B). Also called: Glycogen Storage Disease Type Ib; GSD Ib. Identifiers: Orphanet 364, Orphanet 79259, MedGen C0268146, MONDO:0009288, OMIM 232220.

Submission:

Labcorp Genetics (formerly Invitae), Labcorp
Classification: Uncertain significance for Glucose-6-phosphate transport defect. Last evaluated: 2025-02-26. Review status: criteria provided, single submitter. Criteria: Invitae Variant Classification Sherloc (09022015). Collection method: clinical testing. Allele origin: germline.
Comment: This sequence change replaces valine, which is neutral and non-polar, with isoleucine, which is neutral and non-polar, at codon 194 of the SLC37A4 protein (p.Val194Ile). This variant is present in population databases (no rsID available, gnomAD 0.004%). This variant has not been reported in the literature in individuals affected with SLC37A4-related conditions. Invitae Evidence Modeling of protein sequence and biophysical properties (such as structural, functional, and spatial information, amino acid conservation, physicochemical variation, residue mobility, and thermodynamic stability) indicates that this missense variant is not expected to disrupt SLC37A4 protein function with a negative predictive value of 80%. In summary, the available evidence is currently insufficient to determine the role of this variant in disease. Therefore, it has been classified as a Variant of Uncertain Significance.